The following is an entry in ClinVar:

NM_006118.4(HAX1):c.146C>A (p.Pro49Gln)

Gene: HAX1 (HCLS1 associated protein X-1; plus strand). Cytogenetic location: 1q21.3.
Variant type: single nucleotide variant.
Coding change: c.146C>A on transcript NM_006118.4 (MANE Select); coding-DNA position 146, C replaced by A.
Protein change: p.Pro49Gln; replaces proline 49 with glutamine.
Molecular consequence: missense variant. On other transcripts: intron variant (1).
Genome position (GRCh38, 1-based): chr1:154,273,428, C>A. VCF-style: chr1-154273428-C-A. GRCh37 (hg19) VCF-style: chr1-154245904-C-A.
Other names: c.54-52C>A (NM_001018837.2); short protein forms P49Q.
Identifiers: ClinVar variation 4269056 (VCV004269056.1).

ClinVar aggregate classification (germline): Uncertain significance (1 of 4 stars; one submission).

Conditions:
Inborn genetic diseases. Identifiers: MedGen C0950123, MeSH D030342.

Submission:

Ambry Genetics
Classification: Uncertain significance for Inborn genetic diseases. Last evaluated: 2025-08-25. Review status: criteria provided, single submitter. Criteria: Ambry Variant Classification Scheme 2023. Collection method: clinical testing. Allele origin: germline.
Comment: The p.P49Q variant (also known as c.146C>A), located in coding exon 2 of the HAX1 gene, results from a C to A substitution at nucleotide position 146. The proline at codon 49 is replaced by glutamine, an amino acid with similar properties. This amino acid position is conserved. In addition, this alteration is predicted to be tolerated by in silico analysis. Based on the available evidence, the clinical significance of this variant remains unclear.